The following is an entry in ClinVar:

ClinVar aggregate classification (germline): Uncertain significance (1 of 4 stars; one submission).

Submission:

Labcorp Genetics (formerly Invitae), Labcorp
Classification: Uncertain significance. Last evaluated: 2024-04-09. Review status: criteria provided, single submitter. Criteria: Invitae Variant Classification Sherloc (09022015). Collection method: clinical testing. Allele origin: germline.
Comment: This sequence change replaces methionine, which is neutral and non-polar, with threonine, which is neutral and polar, at codon 1168 of the SLC12A2 protein (p.Met1168Thr). This variant is not present in population databases (gnomAD no frequency). This variant has not been reported in the literature in individuals affected with SLC12A2-related conditions. An algorithm developed to predict the effect of missense changes on protein structure and function (PolyPhen-2) suggests that this variant is likely to be tolerated. In summary, the available evidence is currently insufficient to determine the role of this variant in disease. Therefore, it has been classified as a Variant of Uncertain Significance.

NM_001046.3(SLC12A2):c.3503T>C (p.Met1168Thr)

Gene: SLC12A2 (solute carrier family 12 member 2; plus strand). Cytogenetic location: 5q23.3.
Variant type: single nucleotide variant.
Coding change: c.3503T>C on transcript NM_001046.3 (MANE Select); coding-DNA position 3503, T replaced by C.
Protein change: p.Met1168Thr; replaces methionine 1168 with threonine.
Molecular consequence: missense variant. On other transcripts: non-coding transcript variant (1).
Genome position (GRCh38, 1-based): chr5:128,184,856, T>C. VCF-style: chr5-128184856-T-C. GRCh37 (hg19) VCF-style: chr5-127520548-T-C.
Other names: c.3455T>C, p.Met1152Thr (NM_001256461.2); short protein forms M1152T, M1168T.
Identifiers: ClinVar variation 3693786 (VCV003693786.2).